The following is an entry in ClinVar:

ClinVar aggregate classification (germline): Likely benign (0 of 4 stars; one submission).

Conditions:
CDH13-related disorder. Also called: CDH13-related condition.

Allele frequency attached by ClinVar (database versions not stated): ESP Exome Variant Server 0.00008; ExAC 0.00010; gnomAD exomes 0.00015.
gnomAD v4.1: 236 of 1,613,780 alleles (0.015%); highest among the groups gnomAD compares: Middle Eastern, 0.033%; no homozygotes.

Submission:

PreventionGenetics, part of Exact Sciences
Classification: Likely benign for CDH13-related condition. Last evaluated: 2019-12-09. Review status: no assertion criteria provided. Collection method: clinical testing. Allele origin: germline.
Comment: This variant is classified as likely benign based on ACMG/AMP sequence variant interpretation guidelines (Richards et al. 2015 PMID: 25741868, with internal and published modifications).

NM_001257.5(CDH13):c.684G>A (p.Pro228=)

Genes: CDH13 (cadherin 13; plus strand), LOC126862420 (P300/CBP strongly-dependent group 1 enhancer GRCh37_chr16:83377629-83378828; plus strand). Cytogenetic location: 16q23.3.
Variant type: single nucleotide variant.
Coding change: c.684G>A on transcript NM_001257.5 (MANE Select); coding-DNA position 684, G replaced by A.
Protein change: p.Pro228=; no amino-acid change (proline 228 retained).
Molecular consequence: synonymous variant. On other transcripts: 5 prime UTR variant (1).
Genome position (GRCh38, 1-based): chr16:83,344,909, G>A. VCF-style: chr16-83344909-G-A. GRCh37 (hg19) VCF-style: chr16-83378514-G-A.
Other names: c.825G>A, p.Pro275= (NM_001220488.2); c.567G>A, p.Pro189= (NM_001220489.2); c.-79G>A (NM_001220490.2).
Identifiers: ClinVar variation 3048992 (VCV003048992.2), dbSNP rs201452763, ClinGen allele CA8196475.